The following is an entry in ClinVar:

NM_024334.3(TMEM43):c.814C>T (p.Leu272=)

Gene: TMEM43 (transmembrane protein 43; plus strand). Cytogenetic location: 3p25.1.
Variant type: single nucleotide variant.
Coding change: c.814C>T on transcript NM_024334.3 (MANE Select); coding-DNA position 814, C replaced by T.
Protein change: p.Leu272=; no amino-acid change (leucine 272 retained).
Molecular consequence: synonymous variant.
Genome position (GRCh38, 1-based): chr3:14,135,840, C>T. VCF-style: chr3-14135840-C-T. GRCh37 (hg19) VCF-style: chr3-14177340-C-T.
Identifiers: ClinVar variation 924815 (VCV000924815.12), dbSNP rs759993739, ClinGen allele CA055674.
Genomic context (GRCh38, chr3:14,135,840, plus strand): 5'-AGCTCTAACACCAGGTCCTCTGACCAGGTCACTGTGATTGCCCGGCAGCGGGGTGACCAG[C>T]TAGTCCCATTCTCCACCAAGTCTGGGGATACCTTACTGCTCCTGCACCACGGGGACTTCT-3'
Protein context (NP_077310.1, residues 262-282): TVIARQRGDQ[Leu272=]VPFSTKSGDT

ClinVar aggregate classification (germline): Likely benign. Review status: criteria provided, multiple submitters, no conflicts (2 of 4 stars). 4 submissions from 4 submitters: Likely benign (4). Last evaluated 2024-07-24.

Conditions:
Cardiomyopathy (CMYO). Also called: Cardiomyopathies. Identifiers: Orphanet 167848, MedGen C0878544, MONDO:0004994, HP:0001638. Inheritance: Various modes of inheritance.
Arrhythmogenic right ventricular dysplasia 5. Also called: Arrhythmogenic Right Ventricular Dysplasia/Cardiomyopathy 5; ARRHYTHMOGENIC RIGHT VENTRICULAR DYSPLASIA, FAMILIAL, 5. Identifiers: MedGen C1858379, MONDO:0011459, OMIM 604400.

Allele frequency attached by ClinVar (database versions not stated): gnomAD exomes below 0.00001; ExAC 0.00001; TOPMed 0.00001.
gnomAD v4.1: 5 of 1,613,970 alleles (0.00031%); highest among the groups gnomAD compares: Non-Finnish European, 0.00042%; no homozygotes.

Submissions (4):

Labcorp Genetics (formerly Invitae), Labcorp
Classification: Likely benign for Arrhythmogenic right ventricular dysplasia 5. Last evaluated: 2024-07-24. Review status: criteria provided, single submitter. Criteria: Invitae Variant Classification Sherloc (09022015). Collection method: clinical testing. Allele origin: germline.

Blueprint Genetics
Classification: Likely benign. Last evaluated: 2024-03-05. Review status: criteria provided, single submitter. Criteria: ACMG Guidelines, 2015. Collection method: clinical testing. Allele origin: germline.

All of Us Research Program, National Institutes of Health
Classification: Likely benign for Arrhythmogenic right ventricular dysplasia 5. Last evaluated: 2023-12-01. Review status: criteria provided, single submitter. Criteria: ACMG Guidelines, 2015. Collection method: clinical testing. Allele origin: germline. Inheritance: Autosomal dominant inheritance. Observed: 1 variant allele, 1 heterozygote.
Comment: This study involves interpretation of variants in research participants for the purpose of population health screening. Participant phenotype was not available at the time of variant classification. Additional details can be found in publication PMID: 35346344, PMCID: PMC8962531

Color Diagnostics, LLC DBA Color Health
Classification: Likely benign for Cardiomyopathy. Last evaluated: 2019-07-09. Review status: criteria provided, single submitter. Criteria: ACMG Guidelines, 2015. Collection method: clinical testing. Allele origin: germline.